The following is an entry in ClinVar:

ClinVar aggregate classification (germline): Likely pathogenic (1 of 4 stars; one submission).

Submission:

GeneDx
Classification: Likely pathogenic. Last evaluated: 2017-03-28. Review status: criteria provided, single submitter. Criteria: GeneDx Variant Classification (06012015). Collection method: clinical testing. Allele origin: germline. Affected: yes.
Comment: The c.698+5 G>A variant has not been published as a pathogenic variant, nor has it been reported as a benign variant to our knowledge. The variant is not observed in large population cohorts (Lek et al., 2016; 1000 Genomes Consortium et al., 2015; Exome Variant Server). Several in-silico splice prediction models predict that c.698+5 G>A destroys the natural splice donor site of intron 8, leading to the creation of a null allele as the adjacent exon is out of frame. However, in the absence of RNA/functional studies, the actual effect of this sequence change in this individual is unknown. In summary, this variant is likely pathogenic; however, the possibility that it is benign cannot be excluded.

NM_024570.4(RNASEH2B):c.698+5G>A

Gene: RNASEH2B (ribonuclease H2 subunit B; plus strand). Cytogenetic location: 13q14.3.
Variant type: single nucleotide variant.
Coding change: c.698+5G>A on transcript NM_024570.4 (MANE Select); 5 bases into the intron after coding-DNA position 698, G replaced by A.
Molecular consequence: intron variant.
Genome position (GRCh38, 1-based): chr13:50,948,073, G>A. VCF-style: chr13-50948073-G-A. GRCh37 (hg19) VCF-style: chr13-51522209-G-A.
Other names: c.698+5G>A (NM_001142279.2).
Identifiers: ClinVar variation 424565 (VCV000424565.2), dbSNP rs1064797046, ClinGen allele CA16619813.